The following is an entry in ClinVar:

ClinVar aggregate classification (germline): Uncertain significance (1 of 4 stars; one submission).

Conditions:
Familial thoracic aortic aneurysm and aortic dissection (TAAD). Also called: Thoracic aortic aneurysms and dissections. Identifiers: Orphanet 91387, MedGen C4707243, MONDO:0019625.

gnomAD v4.1: 1 of 1,614,050 alleles (0.000062%); highest among the groups gnomAD compares: South Asian, 0.0011%; no homozygotes.

Submission:

Color Diagnostics, LLC DBA Color Health
Classification: Uncertain significance for Familial thoracic aortic aneurysm and aortic dissection. Last evaluated: 2024-03-07. Review status: criteria provided, single submitter. Criteria: ACMG Guidelines, 2015. Collection method: clinical testing. Allele origin: germline.
Comment: This missense variant replaces glutamine with leucine at codon 316 of the ACTA2 protein. Computational prediction suggests that this variant may have deleterious impact on protein structure and function (internally defined REVEL score threshold >= 0.7, PMID: 27666373). To our knowledge, functional studies have not been reported for this variant. This variant has not been reported in individuals affected with cardiovascular disorders in the literature. This variant has not been identified in the general population by the Genome Aggregation Database (gnomAD). The available evidence is insufficient to determine the role of this variant in disease conclusively. Therefore, this variant is classified as a Variant of Uncertain Significance.

NM_001613.4(ACTA2):c.947A>T (p.Gln316Leu)

Genes: ACTA2-AS1 (ACTA2 antisense RNA 1; plus strand), ACTA2 (actin alpha 2, smooth muscle; minus strand). Cytogenetic location: 10q23.31.
Variant type: single nucleotide variant.
Coding change: c.947A>T on transcript NM_001613.4 (MANE Select); coding-DNA position 947, A replaced by T.
Protein change: p.Gln316Leu; replaces glutamine 316 with leucine.
Molecular consequence: missense variant.
Genome position (GRCh38, 1-based): chr10:88,938,104, T>A on the plus strand (A>T on the coding strand, the complement: ACTA2 is on the minus strand). VCF-style: chr10-88938104-T-A. GRCh37 (hg19) VCF-style: chr10-90697861-T-A.
Other names: c.947A>T, p.Gln316Leu (NM_001141945.3, NM_001320855.2, NM_001406462.1 and 2 more transcripts); c.836A>T, p.Gln279Leu (NM_001406466.1); c.818A>T, p.Gln273Leu (NM_001406467.1, NM_001406468.1, NM_001406469.1); c.755A>T, p.Gln252Leu (NM_001406471.1); short protein forms Q316L, Q252L, Q273L, Q279L.
Identifiers: ClinVar variation 921845 (VCV000921845.6), dbSNP rs1845778165, ClinGen allele CA377510734.